The following is an entry in ClinVar:

ClinVar aggregate classification (germline): Uncertain significance (1 of 4 stars; one submission).

Conditions:
Tumor predisposition syndrome 3 (TPDS3). Also called: Melanoma, cutaneous malignant, susceptibility to, 10; Glioma susceptibility 9; LONG TELOMERE SYNDROME, POT1-RELATED; POT1 Tumor Predisposition. Identifiers: Orphanet 618, MedGen C4014476, MONDO:0014368, OMIM 615848.

Submission:

Labcorp Genetics (formerly Invitae), Labcorp
Classification: Uncertain significance for Tumor predisposition syndrome 3. Last evaluated: 2025-02-09. Review status: criteria provided, single submitter. Criteria: Invitae Variant Classification Sherloc (09022015). Collection method: clinical testing. Allele origin: germline.
Comment: This sequence change replaces arginine, which is basic and polar, with glycine, which is neutral and non-polar, at codon 80 of the POT1 protein (p.Arg80Gly). This variant is not present in population databases (gnomAD no frequency). This variant has not been reported in the literature in individuals affected with POT1-related conditions. Invitae Evidence Modeling of protein sequence and biophysical properties (such as structural, functional, and spatial information, amino acid conservation, physicochemical variation, residue mobility, and thermodynamic stability) indicates that this missense variant is not expected to disrupt POT1 protein function with a negative predictive value of 80%. In summary, the available evidence is currently insufficient to determine the role of this variant in disease. Therefore, it has been classified as a Variant of Uncertain Significance.

NM_015450.3(POT1):c.238C>G (p.Arg80Gly)

Gene: POT1 (protection of telomeres 1; minus strand). Cytogenetic location: 7q31.33.
Variant type: single nucleotide variant.
Coding change: c.238C>G on transcript NM_015450.3 (MANE Select); coding-DNA position 238, C replaced by G.
Protein change: p.Arg80Gly; replaces arginine 80 with glycine.
Molecular consequence: missense variant. On other transcripts: non-coding transcript variant (3), intron variant (1).
Genome position (GRCh38, 1-based): chr7:124,870,928, G>C on the plus strand (C>G on the coding strand, the complement: POT1 is on the minus strand). VCF-style: chr7-124870928-G-C. GRCh37 (hg19) VCF-style: chr7-124510982-G-C.
Other names: c.-138-7288C>G (NM_001042594.2); short protein forms R80G.
Identifiers: ClinVar variation 4743450 (VCV004743450.1).